The following is an entry in ClinVar:

ClinVar aggregate classification (germline): Uncertain significance. Review status: criteria provided, multiple submitters, no conflicts (2 of 4 stars). 4 submissions from 4 submitters: Uncertain significance (4). Last evaluated 2025-08-14.

Conditions:
ALG1-congenital disorder of glycosylation. Also called: CONGENITAL DISORDER OF GLYCOSYLATION, TYPE Ik; CDG Ik; ALG1-CDG. Identifiers: Orphanet 79327, MedGen C2931005, MONDO:0012052, OMIM 608540.
Inborn genetic diseases. Identifiers: MedGen C0950123, MeSH D030342.

Allele frequency attached by ClinVar (database versions not stated): gnomAD exomes 0.00001 and 0.00002; ExAC 0.00002; gnomAD 0.00006; ESP Exome Variant Server 0.00008; TOPMed 0.00009; 1000 Genomes Project 30x 0.00031.

Submissions (4):

Ambry Genetics
Classification: Uncertain significance for Inborn genetic diseases. Last evaluated: 2025-08-14. Review status: criteria provided, single submitter. Criteria: Ambry Variant Classification Scheme 2023. Collection method: clinical testing. Allele origin: germline.

Women's Health and Genetics/Laboratory Corporation of America, LabCorp
Classification: Uncertain significance. Last evaluated: 2024-12-14. Review status: criteria provided, single submitter. Criteria: LabCorp Variant Classification Summary - May 2015. Collection method: clinical testing. Allele origin: germline.

Labcorp Genetics (formerly Invitae), Labcorp
Classification: Uncertain significance for ALG1-congenital disorder of glycosylation. Last evaluated: 2023-12-11. Review status: criteria provided, single submitter. Criteria: Invitae Variant Classification Sherloc (09022015). Collection method: clinical testing. Allele origin: germline.
Comment: This sequence change replaces methionine, which is neutral and non-polar, with threonine, which is neutral and polar, at codon 112 of the ALG1 protein (p.Met112Thr). This variant is present in population databases (rs150943251, gnomAD 0.02%). This variant has not been reported in the literature in individuals affected with ALG1-related conditions. ClinVar contains an entry for this variant (Variation ID: 1504098). Advanced modeling of protein sequence and biophysical properties (such as structural, functional, and spatial information, amino acid conservation, physicochemical variation, residue mobility, and thermodynamic stability) performed at Invitae indicates that this missense variant is not expected to disrupt ALG1 protein function with a negative predictive value of 80%. In summary, the available evidence is currently insufficient to determine the role of this variant in disease. Therefore, it has been classified as a Variant of Uncertain Significance.

Fulgent Genetics
Classification: Uncertain significance for ALG1-congenital disorder of glycosylation. Last evaluated: 2022-05-24. Review status: criteria provided, single submitter. Criteria: ACMG Guidelines, 2015. Collection method: clinical testing. Allele origin: unknown.

NM_019109.5(ALG1):c.335T>C (p.Met112Thr)

Gene: ALG1 (ALG1 chitobiosyldiphosphodolichol beta-mannosyltransferase; plus strand). Cytogenetic location: 16p13.3.
Variant type: single nucleotide variant.
Coding change: c.335T>C on transcript NM_019109.5 (MANE Select); coding-DNA position 335, T replaced by C.
Protein change: p.Met112Thr; replaces methionine 112 with threonine.
Molecular consequence: missense variant. On other transcripts: initiator codon variant (1).
Genome position (GRCh38, 1-based): chr16:5,073,201, T>C. VCF-style: chr16-5073201-T-C. GRCh37 (hg19) VCF-style: chr16-5123202-T-C.
Other names: c.2T>C, p.Met1Thr (NM_001330504.2); short protein forms M1T, M112T.
Identifiers: ClinVar variation 1504098 (VCV001504098.7), dbSNP rs150943251, ClinGen allele CA7889791.
Genomic context (GRCh38, chr16:5,073,201, plus strand): 5'-TCTGACTTGCAGTTGGGCCCCGAGTTTTCCAGTACGGAGTCAAAGTTGTACTTCAGGCTA[T>C]GTACTTGCTGTGGAAGTTGATGTGGAGGGAGCCAGGTGCCTATATCTTTCTCCAGGTGTG-3'
Protein context (NP_061982.3, residues 102-122): QYGVKVVLQA[Met112Thr]YLLWKLMWRE